The following is an entry in ClinVar:

NM_001199799.2(ILDR1):c.838C>T (p.Pro280Ser)

Gene: ILDR1 (immunoglobulin like domain containing receptor 1; minus strand). Cytogenetic location: 3q13.33.
Variant type: single nucleotide variant.
Coding change: c.838C>T on transcript NM_001199799.2 (MANE Select); coding-DNA position 838, C replaced by T.
Protein change: p.Pro280Ser; replaces proline 280 with serine.
Molecular consequence: missense variant.
Genome position (GRCh38, 1-based): chr3:121,993,911, G>A on the plus strand (C>T on the coding strand, the complement: ILDR1 is on the minus strand). VCF-style: chr3-121993911-G-A. GRCh37 (hg19) VCF-style: chr3-121712758-G-A.
Other names: c.571C>T, p.Pro191Ser (NM_001199800.2); c.706C>T, p.Pro236Ser (NM_175924.4); short protein forms P191S, P236S, P280S.
Identifiers: ClinVar variation 3285913 (VCV003285913.3).

ClinVar aggregate classification (germline): Uncertain significance. Review status: criteria provided, multiple submitters, no conflicts (2 of 4 stars). 3 submissions from 3 submitters: Uncertain significance (3). Last evaluated 2025-06-16.

Conditions:
ILDR1-related disorder. Also called: ILDR1-related condition.
Inborn genetic diseases. Identifiers: MedGen C0950123, MeSH D030342.

Submissions (3):

PreventionGenetics, part of Exact Sciences
Classification: Uncertain significance for ILDR1-related condition. Last evaluated: 2025-06-16. Review status: criteria provided, single submitter. Criteria: ACMG Guidelines, 2015. Collection method: clinical testing. Allele origin: germline.
Comment: The ILDR1 c.838C>T variant is predicted to result in the amino acid substitution p.Pro280Ser. To our knowledge, this variant has not been reported in the literature. This variant is reported in 0.0062% of alleles in individuals of African descent in gnomAD. At this time, the clinical significance of this variant is uncertain due to the absence of conclusive functional and genetic evidence.

Ambry Genetics
Classification: Uncertain significance for Inborn genetic diseases. Last evaluated: 2024-04-23. Review status: criteria provided, single submitter. Criteria: Ambry Variant Classification Scheme 2023. Collection method: clinical testing. Allele origin: germline.

Blueprint Genetics
Classification: Uncertain significance. Last evaluated: 2020-12-10. Review status: criteria provided, single submitter. Criteria: ACMG Guidelines, 2015. Collection method: clinical testing. Allele origin: germline.